The following is an entry in ClinVar:

ClinVar aggregate classification (germline): Uncertain significance. Review status: criteria provided, multiple submitters, no conflicts (2 of 4 stars). 2 submissions from 2 submitters: Uncertain significance (2). Last evaluated 2022-05-03.

Conditions:
Niemann-Pick disease, type C1. Also called: NEUROVISCERAL STORAGE DISEASE WITH VERTICAL SUPRANUCLEAR OPHTHALMOPLEGIA; NIEMANN-PICK DISEASE WITH CHOLESTEROL ESTERIFICATION BLOCK; NIEMANN-PICK DISEASE WITHOUT SPHINGOMYELINASE DEFICIENCY; NIEMANN-PICK DISEASE, CHRONIC NEURONOPATHIC FORM; NIEMANN-PICK DISEASE, VARIANT TYPE C1. Identifiers: Orphanet 646, MedGen C3179455, MONDO:0009757, OMIM 257220.

Allele frequency attached by ClinVar (database versions not stated): gnomAD exomes below 0.00001; gnomAD 0.00001; TOPMed 0.00006.
gnomAD v4.1: 8 of 1,614,008 alleles (0.0005%); highest among the groups gnomAD compares: Admixed American, 0.0017%; no homozygotes.

Submissions (2):

Women's Health and Genetics/Laboratory Corporation of America, LabCorp
Classification: Uncertain significance. Last evaluated: 2022-05-03. Review status: criteria provided, single submitter. Criteria: LabCorp Variant Classification Summary - May 2015. Collection method: clinical testing. Allele origin: germline.

Labcorp Genetics (formerly Invitae), Labcorp
Classification: Uncertain significance for Niemann-Pick disease, type C1. Last evaluated: 2022-03-19. Review status: criteria provided, single submitter. Criteria: Invitae Variant Classification Sherloc (09022015). Collection method: clinical testing. Allele origin: germline.
Comment: This sequence change replaces tyrosine, which is neutral and polar, with cysteine, which is neutral and slightly polar, at codon 28 of the NPC1 protein (p.Tyr28Cys). This variant is not present in population databases (gnomAD no frequency). This variant has not been reported in the literature in individuals affected with NPC1-related conditions. Advanced modeling of protein sequence and biophysical properties (such as structural, functional, and spatial information, amino acid conservation, physicochemical variation, residue mobility, and thermodynamic stability) performed at Invitae indicates that this missense variant is expected to disrupt NPC1 protein function. In summary, the available evidence is currently insufficient to determine the role of this variant in disease. Therefore, it has been classified as a Variant of Uncertain Significance.

NM_000271.5(NPC1):c.83A>G (p.Tyr28Cys)

Gene: NPC1 (NPC intracellular cholesterol transporter 1; minus strand). Cytogenetic location: 18q11.2.
Variant type: single nucleotide variant.
Coding change: c.83A>G on transcript NM_000271.5 (MANE Select); coding-DNA position 83, A replaced by G.
Protein change: p.Tyr28Cys; replaces tyrosine 28 with cysteine.
Molecular consequence: missense variant.
Genome position (GRCh38, 1-based): chr18:23,573,549, T>C on the plus strand (A>G on the coding strand, the complement: NPC1 is on the minus strand). VCF-style: chr18-23573549-T-C. GRCh37 (hg19) VCF-style: chr18-21153513-T-C.
Other names: short protein forms Y28C.
Identifiers: ClinVar variation 1696117 (VCV001696117.3), dbSNP rs1232191827, ClinGen allele CA402041389.
Genomic context (GRCh38, chr18:23,573,549, plus strand): 5'-GGTGGGCCAGAATATTCGCAATTGTACCTCTTGTCCCCATATGCAATTCCACACTCTCCA[T>C]ACCAAACACAGGACTGTGAAAACACCTACAGAAAGTCAACACAAACTTCAGTGTTACCAG-3'
Protein context (NP_000262.2, residues 18-38): AQVFSQSCVW[Tyr28Cys]GECGIAYGDK